The following is an entry in ClinVar:

NM_001206927.2(DNAH8):c.1408-1G>A

Genes: DNAH8 (dynein axonemal heavy chain 8; plus strand), LOC126859668 (P300/CBP strongly-dependent group 1 enhancer GRCh37_chr6:38723390-38724589; plus strand). Cytogenetic location: 6p21.2.
Variant type: single nucleotide variant.
Coding change: c.1408-1G>A on transcript NM_001206927.2 (MANE Select); the canonical splice acceptor site of the intron before coding-DNA position 1408, G replaced by A.
Molecular consequence: splice acceptor variant.
Genome position (GRCh38, 1-based): chr6:38,755,971, G>A. VCF-style: chr6-38755971-G-A. GRCh37 (hg19) VCF-style: chr6-38723747-G-A.
Other names: c.757-1G>A (NM_001371.4).
Identifiers: ClinVar variation 4767992 (VCV004767992.1).
Genomic context (GRCh38, chr6:38,755,971, plus strand): 5'-AATATTGGTTATTAAAACTATATGCATATGATGGAATTCACTTAATTTGTTTCAATGTTA[G>A]GTTTCCATGGCACATGGAATACAAAATTTGATTAATGCCATCAGAATGATTCACGGTGTG-3'

ClinVar aggregate classification (germline): Likely pathogenic (1 of 4 stars; one submission).

Conditions:
Primary ciliary dyskinesia. Also called: Ciliary dyskinesia. Identifiers: Orphanet 244, MedGen C0008780, MONDO:0016575, HP:0012265.

Submission:

Labcorp Genetics (formerly Invitae), Labcorp
Classification: Likely pathogenic for Primary ciliary dyskinesia. Last evaluated: 2025-07-16. Review status: criteria provided, single submitter. Criteria: Invitae Variant Classification Sherloc (09022015). Collection method: clinical testing. Allele origin: germline.
Comment: This sequence change affects an acceptor splice site in intron 9 of the DNAH8 gene. It is expected to disrupt RNA splicing. Variants that disrupt the donor or acceptor splice site typically lead to a loss of protein function (PMID: 16199547), and loss-of-function variants in DNAH8 are known to be pathogenic (PMID: 24307375, 32619401, 32681648). This variant is not present in population databases (gnomAD no frequency). This variant has not been reported in the literature in individuals affected with DNAH8-related conditions. Algorithms developed to predict the effect of sequence changes on RNA splicing suggest that this variant may disrupt the consensus splice site. In summary, the currently available evidence indicates that the variant is pathogenic, but additional data are needed to prove that conclusively. Therefore, this variant has been classified as Likely Pathogenic.

Literature cited by the submitters: PubMed 16199547; PubMed 24307375; PubMed 32619401; PubMed 32681648.